The following is an entry in ClinVar:

ClinVar aggregate classification (germline): Uncertain significance. Review status: criteria provided, multiple submitters, no conflicts (2 of 4 stars). 2 submissions from 2 submitters: Uncertain significance (2). Last evaluated 2024-03-15.

Conditions:
Cardiovascular phenotype. Identifiers: MedGen CN230736.
Dilated cardiomyopathy 1JJ (CMD1JJ). Identifiers: Orphanet 154, MedGen C3808935, MONDO:0014095, OMIM 615235.

Submissions (2):

Labcorp Genetics (formerly Invitae), Labcorp
Classification: Uncertain significance for Dilated cardiomyopathy 1JJ. Last evaluated: 2024-03-15. Review status: criteria provided, single submitter. Criteria: Invitae Variant Classification Sherloc (09022015). Collection method: clinical testing. Allele origin: germline.
Comment: This sequence change replaces aspartic acid, which is acidic and polar, with tyrosine, which is neutral and polar, at codon 1280 of the LAMA4 protein (p.Asp1280Tyr). This variant is not present in population databases (gnomAD no frequency). This variant has not been reported in the literature in individuals affected with LAMA4-related conditions. ClinVar contains an entry for this variant (Variation ID: 1735396). An algorithm developed to predict the effect of missense changes on protein structure and function (PolyPhen-2) suggests that this variant is likely to be disruptive. Algorithms developed to predict the effect of sequence changes on RNA splicing suggest that this variant may disrupt the consensus splice site. In summary, the available evidence is currently insufficient to determine the role of this variant in disease. Therefore, it has been classified as a Variant of Uncertain Significance.

Ambry Genetics
Classification: Uncertain significance for Cardiovascular phenotype. Last evaluated: 2020-04-16. Review status: criteria provided, single submitter. Criteria: Ambry Variant Classification Scheme 2023. Collection method: clinical testing. Allele origin: germline.
Comment: The p.D1280Y variant (also known as c.3838G>T), located in coding exon 28 of the LAMA4 gene, results from a G to T substitution at nucleotide position 3838. The aspartic acid at codon 1280 is replaced by tyrosine, an amino acid with highly dissimilar properties. This amino acid position is not well conserved in available vertebrate species. In addition, the in silico prediction for this alteration is inconclusive. Since supporting evidence is limited at this time, the clinical significance of this alteration remains unclear.

NM_001105206.3(LAMA4):c.3859G>T (p.Asp1287Tyr)

Gene: LAMA4 (laminin subunit alpha 4; minus strand). Cytogenetic location: 6q21.
Variant type: single nucleotide variant.
Coding change: c.3859G>T on transcript NM_001105206.3 (MANE Select); coding-DNA position 3859, G replaced by T.
Protein change: p.Asp1287Tyr; replaces aspartic acid 1287 with tyrosine.
Molecular consequence: missense variant.
Genome position (GRCh38, 1-based): chr6:112,131,077, C>A on the plus strand (G>T on the coding strand, the complement: LAMA4 is on the minus strand). VCF-style: chr6-112131077-C-A. GRCh37 (hg19) VCF-style: chr6-112452279-C-A.
Other names: c.3838G>T, p.Asp1280Tyr (NM_001105207.3, NM_002290.5); short protein forms D1280Y, D1287Y.
Identifiers: ClinVar variation 1735396 (VCV001735396.4), dbSNP rs1779006168, ClinGen allele CA365374304.